The following is an entry in ClinVar:

ClinVar aggregate classification (germline): Likely benign (1 of 4 stars; one submission).

Allele frequency attached by ClinVar (database versions not stated): gnomAD exomes 0.00001; gnomAD 0.00002; ExAC 0.00003; TOPMed 0.00004.
gnomAD v4.1: 25 of 1,614,010 alleles (0.0015%); highest among the groups gnomAD compares: East Asian, 0.0045%; no homozygotes.

Submission:

CeGaT Center for Human Genetics Tuebingen
Classification: Likely benign. Last evaluated: 2026-05-01. Review status: criteria provided, single submitter. Criteria: CeGaT Center For Human Genetics Tuebingen Variant Classification Criteria Version 2. Collection method: clinical testing. Allele origin: germline. Affected: yes. Observed: 2 variant alleles.
Comment: PUM1: BP4, BP7

NM_001020658.2(PUM1):c.1938C>T (p.Tyr646=)

Gene: PUM1 (pumilio RNA binding family member 1; minus strand). Cytogenetic location: 1p35.2.
Variant type: single nucleotide variant.
Coding change: c.1938C>T on transcript NM_001020658.2 (MANE Select); coding-DNA position 1938, C replaced by T.
Protein change: p.Tyr646=; no amino-acid change (tyrosine 646 retained).
Molecular consequence: synonymous variant.
Genome position (GRCh38, 1-based): chr1:30,966,130, G>A on the plus strand (C>T on the coding strand, the complement: PUM1 is on the minus strand). VCF-style: chr1-30966130-G-A. GRCh37 (hg19) VCF-style: chr1-31438977-G-A.
Other names: c.1938C>T, p.Tyr646= (NM_014676.3).
Identifiers: ClinVar variation 2638596 (VCV002638596.24), dbSNP rs775083089, ClinGen allele CA729069.